The following is an entry in ClinVar:

ClinVar aggregate classification (germline): Pathogenic/Likely pathogenic. Review status: criteria provided, multiple submitters, no conflicts (2 of 4 stars). 2 submissions from 2 submitters: Pathogenic (1); Likely pathogenic (1). Last evaluated 2023-05-31.

Conditions:
Neuromuscular disease caused by qualitative or quantitative defects of dysferlin. Also called: Dysferlinopathy; Qualitative or quantitative defects of dysferlin. Identifiers: Orphanet 207073, MedGen C2931687, MONDO:0016145.
DYSF-related disorder. Also called: DYSF-related disorders; DYSF-related condition.

Allele frequency attached by ClinVar (database versions not stated): gnomAD exomes below 0.00001.

Submissions (2):

Blueprint Genetics
Classification: Likely pathogenic for DYSF-related disorders. Last evaluated: 2023-05-31. Review status: criteria provided, single submitter. Criteria: ACMG Guidelines, 2015. Collection method: clinical testing. Allele origin: germline. Affected: yes. Observed: 2 variant alleles.

Labcorp Genetics (formerly Invitae), Labcorp
Classification: Pathogenic for Neuromuscular disease caused by qualitative or quantitative defects of dysferlin. Last evaluated: 2022-11-29. Review status: criteria provided, single submitter. Criteria: Invitae Variant Classification Sherloc (09022015). Collection method: clinical testing. Allele origin: germline.
Comment: For these reasons, this variant has been classified as Pathogenic. This variant has not been reported in the literature in individuals affected with DYSF-related conditions. This variant is not present in population databases (gnomAD no frequency). This sequence change creates a premature translational stop signal (p.Ile1816Leufs*8) in the DYSF gene. It is expected to result in an absent or disrupted protein product. Loss-of-function variants in DYSF are known to be pathogenic (PMID: 17698709, 20301480).

Literature cited by the submitters: PubMed 17698709 (cited by Labcorp Genetics (formerly Invitae), Labcorp); PubMed 20301480 (cited by Labcorp Genetics (formerly Invitae), Labcorp).

NM_001130987.2(DYSF):c.5563del (p.Ile1855fs)

Gene: DYSF (dysferlin; plus strand). Cytogenetic location: 2p13.2.
Variant type: Deletion.
Coding change: c.5563del on transcript NM_001130987.2 (MANE Select); coding-DNA position 5563, one base deleted (A; older notation c.5563delA).
Protein change: p.Ile1855fs; shifts the reading frame from isoleucine 1855.
Molecular consequence: frameshift variant.
Genome position (GRCh38, 1-based): chr2:71,669,128, A deleted. VCF-style (leftmost placement, unchanged base first): chr2-71669127-TA-T. GRCh37 (hg19) VCF-style: chr2-71896257-TA-T.
Other names: c.5449del, p.Ile1817fs (NM_001130455.2); c.5404del, p.Ile1802fs (NM_001130976.2); c.5467del, p.Ile1823fs (NM_001130977.2); c.5509del, p.Ile1837fs (NM_001130978.2); c.5539del, p.Ile1847fs (NM_001130979.2); c.5497del, p.Ile1833fs (NM_001130980.2); c.5560del, p.Ile1854fs (NM_001130981.2); c.5542del, p.Ile1848fs (NM_001130982.2); and 5 more; short protein forms I1833fs, I1848fs, I1816fs, I1823fs, I1838fs, I1855fs, I1834fs, I1837fs.
Identifiers: ClinVar variation 2124715 (VCV002124715.5), dbSNP rs2546575150, ClinGen allele CA2580067833.